The following is an entry in ClinVar:

NC_000012.11:g.(?_121416034)_(121416917_?)del

Gene: HNF1A (HNF1 homeobox A; plus strand). Cytogenetic location: 12q24.31.
Variant type: Deletion.
Identifiers: ClinVar variation 3244355 (VCV003244355.1).

ClinVar aggregate classification (germline): Pathogenic (1 of 4 stars; one submission).

Submission:

Labcorp Genetics (formerly Invitae), Labcorp
Classification: Pathogenic. Last evaluated: 2023-08-07. Review status: criteria provided, single submitter. Criteria: Invitae Variant Classification Sherloc (09022015). Collection method: clinical testing. Allele origin: unknown.
Comment: For these reasons, this variant has been classified as Pathogenic. A similar copy number variant has been observed in individual(s) with maturity-onset diabetes of the young (PMID: 17828387). This variant is a gross deletion of the genomic region encompassing exon(s) 1 of the HNF1A gene, which includes the initiator codon. This deletion extends beyond the assayed region for this gene and therefore may encompass additional genes. It is expected to result in an absent or disrupted protein product. Loss-of-function variants in HNF1A are known to be pathogenic (PMID: 15928245, 18003757).

Literature cited by the submitters: PubMed 17828387; PubMed 15928245; PubMed 18003757.